The following is an entry in ClinVar:

NM_014055.4(IFT81):c.1402G>A (p.Val468Ile)

Gene: IFT81 (intraflagellar transport 81; plus strand). Cytogenetic location: 12q24.11.
Variant type: single nucleotide variant.
Coding change: c.1402G>A on transcript NM_014055.4 (MANE Select); coding-DNA position 1402, G replaced by A.
Protein change: p.Val468Ile; replaces valine 468 with isoleucine.
Molecular consequence: missense variant. On other transcripts: non-coding transcript variant (4).
Genome position (GRCh38, 1-based): chr12:110,190,983, G>A. VCF-style: chr12-110190983-G-A. GRCh37 (hg19) VCF-style: chr12-110628788-G-A.
Other names: c.1402G>A, p.Val468Ile (NM_001143779.2); c.472G>A, p.Val158Ile (NM_001347947.2, NM_001347948.2); short protein forms V158I, V468I.
Identifiers: ClinVar variation 2730371 (VCV002730371.3), dbSNP rs1052053164, ClinGen allele CA386905824.

ClinVar aggregate classification (germline): Uncertain significance (1 of 4 stars; one submission).

Submission:

Labcorp Genetics (formerly Invitae), Labcorp
Classification: Uncertain significance. Last evaluated: 2023-06-27. Review status: criteria provided, single submitter. Criteria: Invitae Variant Classification Sherloc (09022015). Collection method: clinical testing. Allele origin: germline.
Comment: In summary, the available evidence is currently insufficient to determine the role of this variant in disease. Therefore, it has been classified as a Variant of Uncertain Significance. Advanced modeling of protein sequence and biophysical properties (such as structural, functional, and spatial information, amino acid conservation, physicochemical variation, residue mobility, and thermodynamic stability) performed at Invitae indicates that this missense variant is not expected to disrupt IFT81 protein function. This variant has not been reported in the literature in individuals affected with IFT81-related conditions. This variant is not present in population databases (gnomAD no frequency). This sequence change replaces valine, which is neutral and non-polar, with isoleucine, which is neutral and non-polar, at codon 468 of the IFT81 protein (p.Val468Ile).